The following is an entry in ClinVar:

ClinVar aggregate classification (germline): Uncertain significance (1 of 4 stars; one submission).

Conditions:
PKHD1-related disorder. Also called: PKHD1-related condition.

gnomAD v4.1: 2 of 1,610,844 alleles (0.00012%); highest among the groups gnomAD compares: Non-Finnish European, 0.000085%; no homozygotes.

Submission:

PreventionGenetics, part of Exact Sciences
Classification: Uncertain significance for PKHD1-related condition. Last evaluated: 2025-10-01. Review status: criteria provided, single submitter. Criteria: ACMG Guidelines, 2015. Collection method: clinical testing. Allele origin: germline.
Comment: The PKHD1 c.6131C>G variant is predicted to result in the amino acid substitution p.Pro2044Arg. To our knowledge, this variant has not been reported in the literature. This variant is reported in 0.00088% of alleles in individuals of European (Non-Finnish) descent in gnomAD. At this time, the clinical significance of this variant is uncertain due to the absence of conclusive functional and genetic evidence.

NM_138694.4(PKHD1):c.6131C>G (p.Pro2044Arg)

Gene: PKHD1 (PKHD1 ciliary IPT domain containing fibrocystin/polyductin; minus strand). Cytogenetic location: 6p12.2.
Variant type: single nucleotide variant.
Coding change: c.6131C>G on transcript NM_138694.4 (MANE Select); coding-DNA position 6131, C replaced by G.
Protein change: p.Pro2044Arg; replaces proline 2044 with arginine.
Molecular consequence: missense variant.
Genome position (GRCh38, 1-based): chr6:51,912,567, G>C on the plus strand (C>G on the coding strand, the complement: PKHD1 is on the minus strand). VCF-style: chr6-51912567-G-C. GRCh37 (hg19) VCF-style: chr6-51777365-G-C.
Other names: c.6131C>G, p.Pro2044Arg (NM_170724.3); short protein forms P2044R.
Identifiers: ClinVar variation 4977589 (VCV004977589.1).